The following is an entry in ClinVar:

ClinVar aggregate classification (germline): Uncertain significance. Review status: criteria provided, multiple submitters, no conflicts (2 of 4 stars). 4 submissions from 4 submitters: Uncertain significance (4). Last evaluated 2026-06-01.

Conditions:
Inborn genetic diseases. Identifiers: MedGen C0950123, MeSH D030342.
Cryopyrin associated periodic syndrome (CAPS). Identifiers: Orphanet 208650, MedGen C2316212, MONDO:0016168.

Allele frequency attached by ClinVar (database versions not stated): ExAC 0.00001; gnomAD exomes 0.00001.

Submissions (4):

CeGaT Center for Human Genetics Tuebingen
Classification: Uncertain significance. Last evaluated: 2026-06-01. Review status: criteria provided, single submitter. Criteria: CeGaT Center For Human Genetics Tuebingen Variant Classification Criteria Version 2. Collection method: clinical testing. Allele origin: germline. Affected: yes. Observed: 1 variant allele.

Ambry Genetics
Classification: Uncertain significance for Inborn genetic diseases. Last evaluated: 2025-04-01. Review status: criteria provided, single submitter. Criteria: Ambry Variant Classification Scheme 2023. Collection method: clinical testing. Allele origin: germline.

Labcorp Genetics (formerly Invitae), Labcorp
Classification: Uncertain significance for Cryopyrin associated periodic syndrome. Last evaluated: 2024-02-24. Review status: criteria provided, single submitter. Criteria: Invitae Variant Classification Sherloc (09022015). Collection method: clinical testing. Allele origin: germline.
Comment: This sequence change replaces serine, which is neutral and polar, with asparagine, which is neutral and polar, at codon 146 of the NLRP3 protein (p.Ser146Asn). This variant is present in population databases (rs768059813, gnomAD 0.002%). This variant has not been reported in the literature in individuals affected with NLRP3-related conditions. ClinVar contains an entry for this variant (Variation ID: 567286). Advanced modeling of protein sequence and biophysical properties (such as structural, functional, and spatial information, amino acid conservation, physicochemical variation, residue mobility, and thermodynamic stability) has been performed at Invitae for this missense variant, however the output from this modeling did not meet the statistical confidence thresholds required to predict the impact of this variant on NLRP3 protein function. In summary, the available evidence is currently insufficient to determine the role of this variant in disease. Therefore, it has been classified as a Variant of Uncertain Significance.

ARUP Laboratories, Molecular Genetics and Genomics, ARUP Laboratories
Classification: Uncertain significance. Last evaluated: 2023-02-27. Review status: criteria provided, single submitter. Criteria: ARUP Molecular Germline Variant Investigation Process 2024. Collection method: clinical testing. Allele origin: germline.
Comment: The NLRP3 c.437G>A; p.Ser146Asn variant (rs768059813), to our knowledge, is not reported in the medical literature but is reported in ClinVar (Variation ID: 567286). This variant is only observed on two alleles in the Genome Aggregation Database, indicating it is not a common polymorphism. Computational analyses are uncertain whether this variant is neutral or deleterious (REVEL: 0.306). Due to limited information, the clinical significance of this variant is uncertain at this time.

NM_001243133.2(NLRP3):c.431G>A (p.Ser144Asn)

Gene: NLRP3 (NLR family pyrin domain containing 3; plus strand). Cytogenetic location: 1q44.
Variant type: single nucleotide variant.
Coding change: c.431G>A on transcript NM_001243133.2 (MANE Select); coding-DNA position 431, G replaced by A.
Protein change: p.Ser144Asn; replaces serine 144 with asparagine.
Molecular consequence: missense variant.
Genome position (GRCh38, 1-based): chr1:247,423,880, G>A. VCF-style: chr1-247423880-G-A. GRCh37 (hg19) VCF-style: chr1-247587182-G-A.
Other names: c.431G>A, p.Ser144Asn (NM_001079821.3, NM_001127461.3, NM_001127462.3 and 1 more transcripts); c.437G>A, p.Ser146Asn (NM_004895.5); short protein forms S146N, S144N.
Identifiers: ClinVar variation 567286 (VCV000567286.12), dbSNP rs768059813, ClinGen allele CA1494873.
Genomic context (GRCh38, chr1:247,423,880, plus strand): 5'-CCCCCTAACTTCCTGTCTTTGCCGTAGATTACCGTAAGAAGTACAGAAAGTACGTGAGAA[G>A]CAGATTCCAGTGCATTGAAGACAGGAATGCCCGTCTGGGTGAGAGTGTGAGCCTCAACAA-3'
Protein context (NP_001230062.1, residues 134-154): YRKKYRKYVR[Ser144Asn]RFQCIEDRNA